The following is an entry in ClinVar:

ClinVar aggregate classification (germline): Benign/Likely benign. Review status: criteria provided, multiple submitters, no conflicts (2 of 4 stars). 2 submissions from 2 submitters: Benign (1); Likely benign (1). Last evaluated 2024-11-25.

Allele frequency attached by ClinVar (database versions not stated): gnomAD exomes 0.00014 and 0.00045; ExAC 0.00052; gnomAD 0.00146 and 0.00159; 1000 Genomes Project 0.00160; TOPMed 0.00168; 1000 Genomes Project 30x 0.00172; ESP Exome Variant Server 0.00215.
gnomAD v4.1: 440 of 1,613,984 alleles (0.027%); highest among the groups gnomAD compares: African/African-American, 0.53%; 3 homozygotes.

Submissions (2):

Labcorp Genetics (formerly Invitae), Labcorp
Classification: Benign. Last evaluated: 2024-11-25. Review status: criteria provided, single submitter. Criteria: Invitae Variant Classification Sherloc (09022015). Collection method: clinical testing. Allele origin: germline.

CeGaT Center for Human Genetics Tuebingen
Classification: Likely benign. Last evaluated: 2024-04-01. Review status: criteria provided, single submitter. Criteria: CeGaT Center For Human Genetics Tuebingen Variant Classification Criteria Version 2. Collection method: clinical testing. Allele origin: germline. Affected: yes. Observed: 1 variant allele.
Comment: KMT2C: BP4, BS1

NM_170606.3(KMT2C):c.12174G>A (p.Glu4058=)

Gene: KMT2C (lysine methyltransferase 2C; minus strand). Cytogenetic location: 7q36.1.
Variant type: single nucleotide variant.
Coding change: c.12174G>A on transcript NM_170606.3 (MANE Select); coding-DNA position 12174, G replaced by A.
Protein change: p.Glu4058=; no amino-acid change (glutamic acid 4058 retained).
Molecular consequence: synonymous variant.
Genome position (GRCh38, 1-based): chr7:152,154,112, C>T on the plus strand (G>A on the coding strand, the complement: KMT2C is on the minus strand). VCF-style: chr7-152154112-C-T. GRCh37 (hg19) VCF-style: chr7-151851197-C-T.
Identifiers: ClinVar variation 1596808 (VCV001596808.28), dbSNP rs143334948, ClinGen allele CA4578858.
Genomic context (GRCh38, chr7:152,154,112, plus strand): 5'-ACCTGATCTGGGACCATTTGGGGAAGGACCAAAAGGTGACGCAAAATATAAAGTGCCTGG[C>T]TCAGTTTTGATGTCATTCCTTCTTGATTCTGAACCTTTAAAAAGAGAGAAAAAAAAGAGG-3'
Protein context (NP_733751.2, residues 4048-4068): SESRRNDIKT[Glu4058=]PGTLYFASPF